The following is an entry in ClinVar:

NM_000283.4(PDE6B):c.2463_2470del (p.Glu822fs)

Gene: PDE6B (phosphodiesterase 6B; plus strand). Cytogenetic location: 4p16.3.
Variant type: Deletion.
Coding change: c.2463_2470del on transcript NM_000283.4 (MANE Select); coding-DNA positions 2463 to 2470, 8 bases deleted (GGAGGAGA; older notation c.2463_2470delGGAGGAGA).
Protein change: p.Glu822fs; shifts the reading frame from glutamic acid 822.
Molecular consequence: frameshift variant. On other transcripts: intron variant (4).
Genome position (GRCh38, 1-based): chr4:667,966-667,973, GGAGGAGA deleted. VCF-style (leftmost placement, unchanged base first): chr4-667965-TGGAGGAGA-T. GRCh37 (hg19) VCF-style: chr4-661754-TGGAGGAGA-T.
Other names: c.2462_2470delinsT (NM_000283.4); c.2463_2470del, p.Glu822fs (NM_001145291.2); c.1626_1633del, p.Glu543fs (NM_001145292.2, NM_001379246.1, NM_001379247.1); c.2438+25_2438+32del (NM_001440547.1); c.2352+1352_2352+1359del (NM_001440548.1); c.1601+25_1601+32del (NM_001350154.3); c.1283+25_1283+32del (NM_001350155.3); short protein forms E543fs, E822fs.
Identifiers: ClinVar variation 4537475 (VCV004537475.1).

ClinVar aggregate classification (germline): Pathogenic (1 of 4 stars; one submission).

Conditions:
Retinitis pigmentosa 40 (RP40). Identifiers: Orphanet 791, MedGen C3151107, MONDO:0013429, OMIM 613801.

Submission:

Research Institute for Ophthalmology and Vision Science, Shahid Beheshti University of Medical Sciences
Classification: Pathogenic for Retinitis pigmentosa 40. Last evaluated: 2025-12-14. Review status: criteria provided, single submitter. Criteria: ACMG Guidelines, 2015. Collection method: research. Allele origin: inherited. Inheritance: Autosomal recessive inheritance. Affected: yes.
Comment: This variant is a Null variant that is not found in gnomAD databases. Computational prediction tools have classified it as deleterious. The patient's phenotype is also specific to a disease with a single genetic cause.